The following is an entry in ClinVar:

NM_004991.4(MECOM):c.3157G>A (p.Glu1053Lys)

Gene: MECOM (MDS1 and EVI1 complex locus; minus strand). Cytogenetic location: 3q26.2.
Variant type: single nucleotide variant.
Coding change: c.3157G>A on transcript NM_004991.4 (MANE Select); coding-DNA position 3157, G replaced by A.
Protein change: p.Glu1053Lys; replaces glutamic acid 1053 with lysine.
Molecular consequence: missense variant.
Genome position (GRCh38, 1-based): chr3:169,092,965, C>T on the plus strand (G>A on the coding strand, the complement: MECOM is on the minus strand). VCF-style: chr3-169092965-C-T. GRCh37 (hg19) VCF-style: chr3-168810753-C-T.
Other names: c.2788G>A, p.Glu930Lys (NM_001105077.4); c.2593G>A, p.Glu865Lys (NM_001105078.4, NM_001205194.2, NM_001366469.2 and 1 more transcripts); c.2569G>A, p.Glu857Lys (NM_001163999.2, NM_001366470.2); c.2566G>A, p.Glu856Lys (NM_001164000.2, NM_001366471.2, NM_001366472.2); c.3130G>A, p.Glu1044Lys (NM_001366466.2); c.2596G>A, p.Glu866Lys (NM_001366467.2, NM_001366468.2); c.2158G>A, p.Glu720Lys (NM_001366473.2); c.1594G>A, p.Glu532Lys (NM_001366474.2); short protein forms E1044K, E1053K, E532K, E720K, E856K, E857K, E865K, E866K.
Identifiers: ClinVar variation 4859757 (VCV004859757.1).

ClinVar aggregate classification (germline): Uncertain significance (1 of 4 stars; one submission).

Conditions:
Inborn genetic diseases. Identifiers: MedGen C0950123, MeSH D030342.

Submission:

Ambry Genetics
Classification: Uncertain significance for Inborn genetic diseases. Last evaluated: 2026-04-26. Review status: criteria provided, single submitter. Criteria: Ambry Variant Classification Scheme 2023. Collection method: clinical testing. Allele origin: germline.
Comment: The p.E1053K variant (also known as c.3157G>A), located in coding exon 14 of the MECOM gene, results from a G to A substitution at nucleotide position 3157. The glutamic acid at codon 1053 is replaced by lysine, an amino acid with similar properties. This amino acid position is conserved. In addition, this alteration is predicted to be tolerated by in silico analysis. Based on the available evidence, the clinical significance of this variant remains unclear.